The following is an entry in ClinVar:

ClinVar aggregate classification (germline): Uncertain significance (1 of 4 stars; one submission).

Allele frequency attached by ClinVar (database versions not stated): gnomAD exomes below 0.00001; TOPMed below 0.00001; ExAC 0.00001.
gnomAD v4.1: 3 of 1,547,062 alleles (0.00019%); highest among the groups gnomAD compares: Non-Finnish European, 0.00026%; no homozygotes.

Submission:

Labcorp Genetics (formerly Invitae), Labcorp
Classification: Uncertain significance. Last evaluated: 2021-03-08. Review status: criteria provided, single submitter. Criteria: Invitae Variant Classification Sherloc (09022015). Collection method: clinical testing. Allele origin: germline.
Comment: In summary, the available evidence is currently insufficient to determine the role of this variant in disease. Therefore, it has been classified as a Variant of Uncertain Significance. Algorithms developed to predict the effect of missense changes on protein structure and function are either unavailable or do not agree on the potential impact of this missense change (SIFT: "Tolerated"; PolyPhen-2: "Possibly Damaging"; Align-GVGD: "Class C0"). This variant has not been reported in the literature in individuals with SKIV2L-related conditions. This variant is present in population databases (rs751619652, ExAC 0.002%). This sequence change replaces glycine with tryptophan at codon 545 of the SKIV2L protein (p.Gly545Trp). The glycine residue is moderately conserved and there is a large physicochemical difference between glycine and tryptophan.

NM_006929.5(SKIC2):c.1633G>T (p.Gly545Trp)

Gene: SKIC2 (SKI2 subunit of superkiller complex; plus strand). Cytogenetic location: 6p21.33.
Variant type: single nucleotide variant.
Coding change: c.1633G>T on transcript NM_006929.5 (MANE Select); coding-DNA position 1633, G replaced by T.
Protein change: p.Gly545Trp; replaces glycine 545 with tryptophan.
Molecular consequence: missense variant.
Genome position (GRCh38, 1-based): chr6:31,963,719, G>T. VCF-style: chr6-31963719-G-T. GRCh37 (hg19) VCF-style: chr6-31931496-G-T.
Other names: short protein forms G545W.
Identifiers: ClinVar variation 1514927 (VCV001514927.7), dbSNP rs751619652, ClinGen allele CA3729527.
Genomic context (GRCh38, chr6:31,963,719, plus strand): 5'-AAGAAGGAGAGAATGAGCAAACACGCCCAGACCTTTGGGGCCAAGCAGCCCACACATCAG[G>T]GGGGCCCTGCACAGGTGAGAACTGGGAGGGTTTTGTACCTGCCAGCACCTGTTTTTCCTC-3'
Protein context (NP_008860.4, residues 535-555): TFGAKQPTHQ[Gly545Trp]GPAQDRGVYL